The following is an entry in ClinVar:

ClinVar aggregate classification (germline): Benign/Likely benign. Review status: criteria provided, multiple submitters, no conflicts (2 of 4 stars). 11 submissions from 11 submitters: Benign (8); Likely benign (1). 2 of the submissions do not count toward it. Last evaluated 2026-06-26.

Conditions:
Autosomal recessive nonsyndromic hearing loss 3. Also called: NEUROSENSORY NONSYNDROMIC RECESSIVE DEAFNESS 3. Identifiers: Orphanet 90636, MedGen C1838263, MONDO:0010860, OMIM 600316.

Allele frequency attached by ClinVar (database versions not stated): 1000 Genomes Project 0.21286; gnomAD 0.34278 and 0.33542; 1000 Genomes Project 30x 0.21611; TOPMed 0.32035; gnomAD exomes 0.33633; ExAC 0.33522; ESP Exome Variant Server 0.34982.

Submissions (13):

Women's Health and Genetics/Laboratory Corporation of America, LabCorp
Classification: Likely benign. Last evaluated: 2026-06-26. Review status: criteria provided, single submitter. Criteria: LabCorp Variant Classification Summary - May 2015. Collection method: clinical testing. Allele origin: germline.

Labcorp Genetics (formerly Invitae), Labcorp
Classification: Benign. Last evaluated: 2026-02-04. Review status: criteria provided, single submitter. Criteria: Invitae Variant Classification Sherloc (09022015). Collection method: clinical testing. Allele origin: germline.

Genome-Nilou Lab
Classification: Benign for Autosomal recessive nonsyndromic hearing loss 3. Last evaluated: 2021-09-05. Review status: criteria provided, single submitter. Criteria: ACMG Guidelines, 2015. Collection method: clinical testing. Allele origin: germline. Affected: no.

Mayo Clinic Laboratories, Mayo Clinic
Classification: Benign. Last evaluated: 2020-10-20. Review status: criteria provided, single submitter. Criteria: ACMG Guidelines, 2015. Collection method: clinical testing. Allele origin: germline. Observed: 97 variant alleles.

Illumina Laboratory Services, Illumina
Classification: Benign for Autosomal recessive nonsyndromic hearing loss 3. Last evaluated: 2018-01-13. Review status: criteria provided, single submitter. Criteria: ICSL Variant Classification Criteria 13 December 2019. Collection method: clinical testing. Allele origin: germline.
Comment: This variant was observed in the ICSL laboratory as part of a predisposition screen in an ostensibly healthy population. It had not been previously curated by ICSL or reported in the Human Gene Mutation Database (HGMD: prior to June 1st, 2018), and was therefore a candidate for classification through an automated scoring system. Utilizing variant allele frequency, disease prevalence and penetrance estimates, and inheritance mode, an automated score was calculated to assess if this variant is too frequent to cause the disease. Based on the score and internal cut-off values, a variant classified as benign is not then subjected to further curation. The score for this variant resulted in a classification of benign for this disease.

GeneDx
Classification: Benign. Last evaluated: 2017-05-09. Review status: criteria provided, single submitter. Criteria: GeneDx Variant Classification (06012015). Collection method: clinical testing. Allele origin: germline. Affected: yes.
Comment: This variant is considered likely benign or benign based on one or more of the following criteria: it is a conservative change, it occurs at a poorly conserved position in the protein, it is predicted to be benign by multiple in silico algorithms, and/or has population frequency not consistent with disease.

Laboratory for Molecular Medicine, Mass General Brigham Personalized Medicine
Classification: Benign. Last evaluated: 2012-05-07. Review status: criteria provided, single submitter. Criteria: LMM Criteria. Collection method: clinical testing. Allele origin: germline. Observed: 576 variant alleles.
Comment: Tyr2682Phe in Exon 43 of MYO15A: This variant is not expected to have clinical s ignificance because it has been identified in 39.8% (2646/6644) of European Amer ican chromosomes from a broad population by the NHLBI Exome Sequencing Project (dbSNP rs712270).

Breakthrough Genomics
Classification: Benign. Review status: criteria provided, single submitter. Criteria: ACMG Guidelines, 2015. Collection method: not provided. Allele origin: germline. Inheritance: Autosomal recessive inheritance. Affected: yes.

PreventionGenetics, part of Exact Sciences
Classification: Benign. Review status: criteria provided, single submitter. Criteria: ACMG Guidelines, 2015. Collection method: clinical testing. Allele origin: germline.

Diagnostic Laboratory, Department of Genetics, University Medical Center Groningen
Classification: Benign. Review status: no assertion criteria provided. Collection method: clinical testing. Allele origin: germline. Affected: yes. Study: VKGL Data-share Consensus. Not counted in ClinVar's aggregate classification.

Dr. Peter K. Rogan Lab, Western University
No classification provided (evidence only). Condition: Uterine carcinosarcoma. Review status: no classification provided. Collection method: in vitro. Allele origin: not applicable. Functional consequence: retained intron. Not counted in ClinVar's aggregate classification.

Dr. Peter K. Rogan Lab, Western University
No classification provided (evidence only). Condition: Uterine carcinosarcoma. Review status: no classification provided. Collection method: in vitro. Allele origin: not applicable. Functional consequence: retained intron. Not counted in ClinVar's aggregate classification.

Joint Genome Diagnostic Labs from Nijmegen and Maastricht, Radboudumc and MUMC+
Classification: Benign. Review status: no assertion criteria provided. Collection method: clinical testing. Allele origin: germline. Affected: yes. Study: VKGL Data-share Consensus. Not counted in ClinVar's aggregate classification.

NM_016239.4(MYO15A):c.8045A>T (p.Tyr2682Phe)

Gene: MYO15A (myosin XVA; plus strand). Cytogenetic location: 17p11.2.
Variant type: single nucleotide variant.
Coding change: c.8045A>T on transcript NM_016239.4 (MANE Select); coding-DNA position 8045, A replaced by T.
Protein change: p.Tyr2682Phe; replaces tyrosine 2682 with phenylalanine.
Molecular consequence: missense variant.
Genome position (GRCh38, 1-based): chr17:18,153,853, A>T. VCF-style: chr17-18153853-A-T. GRCh37 (hg19) VCF-style: chr17-18057167-A-T.
Other names: short protein forms Y2682F.
Identifiers: ClinVar variation 226790 (VCV000226790.27), dbSNP rs712270, ClinGen allele CA8424999.
Genomic context (GRCh38, chr17:18,153,853, plus strand): 5'-TGGAGCCCCCTGAGGAACTCACGCAGACGCGGCTGCACCGCCTCATCAATCCCAACTTCT[A>T]CGGCTATCAGGACGCCCCCTGGAAGATCTTCCTGCGCAAAGAGGTGCCGAGCACAGCCGT-3'
Protein context (NP_057323.3, residues 2672-2692): RLHRLINPNF[Tyr2682Phe]GYQDAPWKIF